The following is an entry in ClinVar:

NC_000012.12:g.120502281G>C

Gene: COQ5 (coenzyme Q5, methyltransferase; minus strand). Cytogenetic location: 12q24.31.
Variant type: single nucleotide variant.
Genome position: GRCh38 VCF-style: chr12-120502281-G-C. GRCh37 (hg19) VCF-style: chr12-120940084-G-C.
Identifiers: ClinVar variation 3389307 (VCV003389307.14).

ClinVar aggregate classification (germline): Benign (1 of 4 stars; one submission).

Submission:

CeGaT Center for Human Genetics Tuebingen
Classification: Benign. Last evaluated: 2026-09-01. Review status: criteria provided, single submitter. Criteria: CeGaT Center For Human Genetics Tuebingen Variant Classification Criteria Version 2. Collection method: clinical testing. Allele origin: germline. Affected: yes. Observed: 15 variant alleles.
Comment: COQ5: BS1, BS2